The following is an entry in ClinVar:

NM_001142800.2(EYS):c.6562A>G (p.Ile2188Val)

Gene: EYS (EGF-like photoreceptor maintenance factor; minus strand). Cytogenetic location: 6q12.
Variant type: single nucleotide variant.
Coding change: c.6562A>G on transcript NM_001142800.2 (MANE Select); coding-DNA position 6562, A replaced by G.
Protein change: p.Ile2188Val; replaces isoleucine 2188 with valine.
Molecular consequence: missense variant.
Genome position (GRCh38, 1-based): chr6:64,081,865, T>C on the plus strand (A>G on the coding strand, the complement: EYS is on the minus strand). VCF-style: chr6-64081865-T-C. GRCh37 (hg19) VCF-style: chr6-64791758-T-C.
Other names: c.6562A>G, p.Ile2188Val (NM_001292009.2); short protein forms I2188V.
Identifiers: ClinVar variation 552077 (VCV000552077.11), dbSNP rs184448644, ClinGen allele CA3876903.

ClinVar aggregate classification (germline): Conflicting classifications of pathogenicity. Review status: criteria provided, conflicting classifications (1 of 4 stars). 8 submissions from 8 submitters: Uncertain significance (5); Likely benign (1). 2 of the submissions do not count toward it. Last evaluated 2026-08-25.

Conditions:
Retinal dystrophy. Also called: Inherited retinal dystrophy. Identifiers: Orphanet 71862, MedGen C0854723, MeSH D058499, MONDO:0019118, HP:0000556.
Retinitis pigmentosa (RP). Identifiers: Orphanet 791, MedGen C0035334, MeSH D012174, MONDO:0019200, OMIM 268000. Inheritance: Autosomal dominant, autosomal recessive and X linked inheritance.
EYS-related disorder. Also called: EYS-related condition.
Retinitis pigmentosa 25 (RP25). Identifiers: Orphanet 791, MedGen C1864446, MONDO:0011272, OMIM 602772.

Allele frequency attached by ClinVar (database versions not stated): gnomAD 0.00003 and 0.00007; ExAC 0.00005; TOPMed 0.00005; gnomAD exomes 0.00006 and 0.00009; 1000 Genomes Project 30x 0.00031; 1000 Genomes Project 0.00040.
gnomAD v4.1: 92 of 1,528,886 alleles (0.006%); highest among the groups gnomAD compares: East Asian, 0.17%; no homozygotes.

Submissions (8):

PreventionGenetics, part of Exact Sciences
Classification: Uncertain significance for EYS-related condition. Last evaluated: 2026-08-25. Review status: criteria provided, single submitter. Criteria: ACMG Guidelines, 2015. Collection method: clinical testing. Allele origin: germline.
Comment: The EYS c.6562A>G variant is predicted to result in the amino acid substitution p.Ile2188Val. This variant was reported in an individual with retinitis pigmentosa (Table S4, Xu et al. 2014. PubMed ID: 24938718). However, this variant is reported in 0.098% of alleles in individuals of East Asian descent in gnomAD, which may be too frequent to be a primary cause of disease. Although we suspect that this variant may be benign, at this time, the clinical significance of this variant is uncertain due to the absence of conclusive functional and genetic evidence.

Blueprint Genetics
Classification: Uncertain significance. Last evaluated: 2024-11-19. Review status: criteria provided, single submitter. Criteria: ACMG Guidelines, 2015. Collection method: clinical testing. Allele origin: germline.

Women's Health and Genetics/Laboratory Corporation of America, LabCorp
Classification: Uncertain significance. Last evaluated: 2024-07-31. Review status: criteria provided, single submitter. Criteria: LabCorp Variant Classification Summary - May 2015. Collection method: clinical testing. Allele origin: germline.
Comment: Variant summary: EYS c.6562A>G (p.Ile2188Val) results in a conservative amino acid change located in the Lamnin G domain of the encoded protein sequence. Five of five in-silico tools predict a benign effect of the variant on protein function. The variant allele was found at a frequency of 9.4e-05 in 149382 control chromosomes. This frequency is not significantly higher than estimated for a pathogenic variant in EYS causing Retinitis Pigmentosa (9.4e-05 vs 0.0034), allowing no conclusion about variant significance. c.6562A>G has been reported in the literature in at-least one individual affected with Retinitis Pigmentosa (Xu_2014). These report(s) do not provide unequivocal conclusions about association of the variant with Retinitis Pigmentosa. To our knowledge, no experimental evidence demonstrating an impact on protein function has been reported. The following publication has been ascertained in the context of this evaluation (PMID: 24938718). ClinVar contains an entry for this variant (Variation ID: 552077). Based on the evidence outlined above, the variant was classified as uncertain significance.

Dept Of Ophthalmology, Nagoya University
Classification: Likely benign for Retinal dystrophy. Last evaluated: 2023-10-01. Review status: criteria provided, single submitter. Criteria: Submitter's publication. Collection method: research. Allele origin: germline. Affected: yes.

Labcorp Genetics (formerly Invitae), Labcorp
Classification: Uncertain significance. Last evaluated: 2022-10-13. Review status: criteria provided, single submitter. Criteria: Invitae Variant Classification Sherloc (09022015). Collection method: clinical testing. Allele origin: germline.
Comment: This sequence change replaces isoleucine, which is neutral and non-polar, with valine, which is neutral and non-polar, at codon 2188 of the EYS protein (p.Ile2188Val). This variant is present in population databases (rs184448644, gnomAD 0.09%). This missense change has been observed in individuals with EYS-related conditions (PMID: 24938718; Invitae). ClinVar contains an entry for this variant (Variation ID: 552077). Algorithms developed to predict the effect of missense changes on protein structure and function output the following: SIFT: "Tolerated"; PolyPhen-2: "Benign"; Align-GVGD: "Class C0". The valine amino acid residue is found in multiple mammalian species, which suggests that this missense change does not adversely affect protein function. This variant disrupts the p.Ile2188 amino acid residue in EYS. Other variant(s) that disrupt this residue have been determined to be pathogenic (Invitae). This suggests that this residue is clinically significant, and that variants that disrupt this residue are likely to be disease-causing. In summary, the available evidence is currently insufficient to determine the role of this variant in disease. Therefore, it has been classified as a Variant of Uncertain Significance.

Baylor Genetics
Classification: Uncertain significance for Retinitis pigmentosa 25. Last evaluated: 2022-02-28. Review status: criteria provided, single submitter. Criteria: ACMG Guidelines, 2015. Collection method: clinical testing. Allele origin: unknown.

Natera, Inc.
Classification: Uncertain significance for Retinitis pigmentosa. Last evaluated: 2020-01-11. Review status: no assertion criteria provided. Collection method: clinical testing. Allele origin: germline. Not counted in ClinVar's aggregate classification.

Counsyl
Classification: Uncertain significance for Retinitis pigmentosa 25. Last evaluated: 2017-05-26. Review status: no assertion criteria provided. Collection method: clinical testing. Allele origin: unknown. Not counted in ClinVar's aggregate classification.

Literature cited by the submitters: PubMed 24938718 (cited by 3 submitters).